The following is an entry in ClinVar:

NM_004260.4(RECQL4):c.1837T>C (p.Trp613Arg)

Gene: RECQL4 (RecQ like helicase 4; minus strand). Cytogenetic location: 8q24.3.
Variant type: single nucleotide variant.
Coding change: c.1837T>C on transcript NM_004260.4 (MANE Select); coding-DNA position 1837, T replaced by C.
Protein change: p.Trp613Arg; replaces tryptophan 613 with arginine.
Molecular consequence: missense variant.
Genome position (GRCh38, 1-based): chr8:144,514,230, A>G on the plus strand (T>C on the coding strand, the complement: RECQL4 is on the minus strand). VCF-style: chr8-144514230-A-G. GRCh37 (hg19) VCF-style: chr8-145739614-A-G.
Other names: short protein forms W613R.
Identifiers: ClinVar variation 578188 (VCV000578188.9), dbSNP rs1394819507, ClinGen allele CA372680715.

ClinVar aggregate classification (germline): Uncertain significance. Review status: criteria provided, multiple submitters, no conflicts (2 of 4 stars). 3 submissions from 3 submitters: Uncertain significance (3). Last evaluated 2025-06-21.

Conditions:
Inborn genetic diseases. Identifiers: MedGen C0950123, MeSH D030342.
Hereditary cancer-predisposing syndrome. Also called: Hereditary neoplastic syndrome; Tumor predisposition; Hereditary Cancer Syndrome; Neoplastic Syndromes, Hereditary. Identifiers: Orphanet 140162, MedGen C0027672, MeSH D009386, MONDO:0015356.
Baller-Gerold syndrome (BGS). Also called: CRANIOSYNOSTOSIS WITH RADIAL DEFECTS. Identifiers: Orphanet 1225, MedGen C0265308, MONDO:0009039, OMIM 218600.

Allele frequency attached by ClinVar (database versions not stated): gnomAD exomes below 0.00001; gnomAD 0.00001; TOPMed 0.00001.
gnomAD v4.1: 5 of 1,612,178 alleles (0.00031%); highest among the groups gnomAD compares: Middle Eastern, 0.016%; no homozygotes.

Submissions (3):

Ambry Genetics
Classification: Uncertain significance for Inborn genetic diseases. Last evaluated: 2025-06-21. Review status: criteria provided, single submitter. Criteria: Ambry Variant Classification Scheme 2023. Collection method: clinical testing. Allele origin: germline.
Comment: The p.W613R variant (also known as c.1837T>C), located in coding exon 11 of the RECQL4 gene, results from a T to C substitution at nucleotide position 1837. The tryptophan at codon 613 is replaced by arginine, an amino acid with dissimilar properties. This amino acid position is conserved. In addition, this alteration is predicted to be deleterious by in silico analysis. Based on the available evidence, the clinical significance of this variant remains unclear.

Labcorp Genetics (formerly Invitae), Labcorp
Classification: Uncertain significance for Baller-Gerold syndrome. Last evaluated: 2024-04-22. Review status: criteria provided, single submitter. Criteria: Invitae Variant Classification Sherloc (09022015). Collection method: clinical testing. Allele origin: germline.
Comment: This sequence change replaces tryptophan, which is neutral and slightly polar, with arginine, which is basic and polar, at codon 613 of the RECQL4 protein (p.Trp613Arg). This variant is present in population databases (no rsID available, gnomAD 0.0009%). This variant has not been reported in the literature in individuals affected with RECQL4-related conditions. ClinVar contains an entry for this variant (Variation ID: 578188). Advanced modeling of protein sequence and biophysical properties (such as structural, functional, and spatial information, amino acid conservation, physicochemical variation, residue mobility, and thermodynamic stability) performed at Invitae indicates that this missense variant is expected to disrupt RECQL4 protein function with a positive predictive value of 80%. In summary, the available evidence is currently insufficient to determine the role of this variant in disease. Therefore, it has been classified as a Variant of Uncertain Significance.

Sema4
Classification: Uncertain significance for Hereditary cancer-predisposing syndrome. Last evaluated: 2021-06-19. Review status: criteria provided, single submitter. Criteria: Sema4 Curation Guidelines. Collection method: curation. Allele origin: germline.
Comment: The RECQL4 c.1837T>C (p.W613R) variant has not been reported in the literature to our knowledge. It was observed in 1/110204 chromosomes of the Non-Finnish European subpopulation in the large and broad cohorts of the Genome Aggregation Database (PMID: 32461654). The variant has been reported in ClinVar (Variation ID 578188). In silico tools suggest the impact of the variant on protein function is benign, though these predictions have not been confirmed by functional studies. The evidence is insufficient to meet ACMG/AMP criteria for classifying the variant as benign or pathogenic. Thus, the clinical significance of this variant is currently uncertain.